The following is an entry in ClinVar:

NM_001367624.2(ZNF469):c.11628G>A (p.Glu3876=)

Gene: ZNF469 (zinc finger protein 469; plus strand). Cytogenetic location: 16q24.2.
Variant type: single nucleotide variant.
Coding change: c.11628G>A on transcript NM_001367624.2 (MANE Select); coding-DNA position 11628, G replaced by A.
Protein change: p.Glu3876=; no amino-acid change (glutamic acid 3876 retained).
Molecular consequence: synonymous variant.
Genome position (GRCh38, 1-based): chr16:88,439,098, G>A. VCF-style: chr16-88439098-G-A. GRCh37 (hg19) VCF-style: chr16-88505506-G-A.
Other names: NM_001127464.1:c.11544G>A; NM_001127464.2:c.11544G>A.
Identifiers: ClinVar variation 2449524 (VCV002449524.3), dbSNP rs1215224306, ClinGen allele CA497359537.

ClinVar aggregate classification (germline): Likely benign. Review status: criteria provided, multiple submitters, no conflicts (2 of 4 stars). 2 submissions from 2 submitters: Likely benign (2). Last evaluated 2024-11-09.

Conditions:
Cardiovascular phenotype. Identifiers: MedGen CN230736.
ZNF469-related disorder. Also called: ZNF469-related condition.

gnomAD v4.1: 3 of 1,550,974 alleles (0.00019%); highest among the groups gnomAD compares: East Asian, 0.0024%; no homozygotes.

Submissions (2):

PreventionGenetics, part of Exact Sciences
Classification: Likely benign for ZNF469-related condition. Last evaluated: 2024-11-09. Review status: criteria provided, single submitter. Criteria: ACMG Guidelines, 2015. Collection method: clinical testing. Allele origin: germline.
Comment: This variant is classified as likely benign based on ACMG/AMP sequence variant interpretation guidelines (Richards et al. 2015 PMID: 25741868, with internal and published modifications).

Ambry Genetics
Classification: Likely benign for Cardiovascular phenotype. Last evaluated: 2023-02-28. Review status: criteria provided, single submitter. Criteria: Ambry Variant Classification Scheme 2023. Collection method: clinical testing. Allele origin: germline.